The following is an entry in ClinVar:

ClinVar aggregate classification (germline): Conflicting classifications of pathogenicity. Review status: criteria provided, conflicting classifications (1 of 4 stars). 5 submissions from 5 submitters: Likely pathogenic (3); Uncertain significance (1). 1 of the submissions does not count toward it. Last evaluated 2025-09-10.

Conditions:
SH3TC2-related disorder. Also called: SH3TC2-related condition; SH3TC2-related disorders. Identifiers: MedGen CN239303.
Inborn genetic diseases. Identifiers: MedGen C0950123, MeSH D030342.
Charcot-Marie-Tooth disease type 4. Also called: Charcot-Marie-Tooth disease, type IV; Charcot-Marie-Tooth, Type 4. Identifiers: Orphanet 64749, MedGen C4082197, MONDO:0018995.
Charcot-Marie-Tooth disease, type I (CMT1). Also called: Charcot-Marie-Tooth disease type 1; Charcot-Marie-Tooth, Type 1. Identifiers: Orphanet 65753, MedGen C0751036, MONDO:0019011.

Allele frequency attached by ClinVar (database versions not stated): ExAC 0.00001; gnomAD 0.00001; gnomAD exomes 0.00001 and 0.00002; TOPMed 0.00002.
gnomAD v4.1: 32 of 1,614,000 alleles (0.002%); highest among the groups gnomAD compares: Non-Finnish European, 0.0026%; no homozygotes.

Submissions (5):

PreventionGenetics, part of Exact Sciences
Classification: Likely pathogenic for SH3TC2-related condition. Last evaluated: 2025-09-10. Review status: criteria provided, single submitter. Criteria: ACMG Guidelines, 2015. Collection method: clinical testing. Allele origin: germline.
Comment: The SH3TC2 c.529+1G>A variant is predicted to disrupt the GT donor site and interfere with normal splicing. To our knowledge, this variant has not been reported in the literature. This variant is reported in 0.0023% of alleles in individuals of European (non-Finnish) descent in gnomAD. Variants that disrupt the consensus splice donor site in SH3TC2 are expected to be pathogenic. This variant is interpreted as likely pathogenic.

Labcorp Genetics (formerly Invitae), Labcorp
Classification: Likely pathogenic for Charcot-Marie-Tooth disease type 4. Last evaluated: 2025-09-08. Review status: criteria provided, single submitter. Criteria: Invitae Variant Classification Sherloc (09022015). Collection method: clinical testing. Allele origin: germline.
Comment: This sequence change affects a donor splice site in intron 5 of the SH3TC2 gene. It is expected to disrupt RNA splicing. Variants that disrupt the donor or acceptor splice site typically lead to a loss of protein function (PMID: 16199547), and loss-of-function variants in SH3TC2 are known to be pathogenic (PMID: 20220177, 27068304). This variant is present in population databases (rs769410348, gnomAD 0.002%). Disruption of this splice site has been observed in individual(s) with clinical features of SH3TC2-related conditions (internal data). ClinVar contains an entry for this variant (Variation ID: 565731). Algorithms developed to predict the effect of sequence changes on RNA splicing suggest that this variant may disrupt the consensus splice site. In summary, the currently available evidence indicates that the variant is pathogenic, but additional data are needed to prove that conclusively. Therefore, this variant has been classified as Likely Pathogenic.

GeneDx
Classification: Likely pathogenic. Last evaluated: 2021-09-02. Review status: criteria provided, single submitter. Criteria: GeneDx Variant Classification Process June 2021. Collection method: clinical testing. Allele origin: germline. Affected: yes.
Comment: Canonical splice site variant expected to result in aberrant splicing, although in the absence of functional evidence the actual effect of this sequence change is unknown.; Not observed at significant frequency in large population cohorts (Lek et al., 2016); Has not been previously published as pathogenic or benign to our knowledge

Ambry Genetics
Classification: Uncertain significance for Inborn genetic diseases. Last evaluated: 2020-10-05. Review status: criteria provided, single submitter. Criteria: Ambry Variant Classification Scheme 2023. Collection method: clinical testing. Allele origin: germline.
Comment: The c.529+1G>A intronic variant results from a G to A substitution one nucleotide after coding exon 5 of the SH3TC2 gene. The resulting transcript is predicted to be in-frame and is not expected to trigger nonsense-mediated mRNA decay; however, direct evidence is unavailable. This nucleotide position is highly conserved in available vertebrate species. In silico splice site analysis predicts that this alteration will weaken the native splice donor site. The exact functional effect of the missing amino acids is unknown. Since supporting evidence is limited at this time, the clinical significance of this alteration remains unclear.

Genesis Genome Database
Classification: Uncertain significance for Charcot-Marie-Tooth disease, type I. Last evaluated: 2019-08-14. Review status: no assertion criteria provided. Collection method: research. Allele origin: germline. Affected: yes. Not counted in ClinVar's aggregate classification.

Literature cited by the submitters: PubMed 16199547 (cited by Labcorp Genetics (formerly Invitae), Labcorp); PubMed 20220177 (cited by Labcorp Genetics (formerly Invitae), Labcorp); PubMed 27068304 (cited by Labcorp Genetics (formerly Invitae), Labcorp).

NM_024577.4(SH3TC2):c.529+1G>A

Gene: SH3TC2 (SH3 domain and tetratricopeptide repeats 2; minus strand). Cytogenetic location: 5q32.
Variant type: single nucleotide variant.
Coding change: c.529+1G>A on transcript NM_024577.4 (MANE Select); the canonical splice donor site of the intron after coding-DNA position 529, G replaced by A.
Molecular consequence: splice donor variant.
Genome position (GRCh38, 1-based): chr5:149,042,693, C>T on the plus strand (G>A on the coding strand, the complement: SH3TC2 is on the minus strand). VCF-style: chr5-149042693-C-T. GRCh37 (hg19) VCF-style: chr5-148422256-C-T.
Identifiers: ClinVar variation 565731 (VCV000565731.15), dbSNP rs769410348, ClinGen allele CA3499487.